The following is an entry in ClinVar:

ClinVar aggregate classification (germline): Uncertain significance (1 of 4 stars; one submission).

Submission:

GeneDx
Classification: Uncertain significance. Last evaluated: 2024-05-03. Review status: criteria provided, single submitter. Criteria: GeneDx Variant Classification Process June 2021. Collection method: clinical testing. Allele origin: germline. Affected: yes.
Comment: Not observed at significant frequency in large population cohorts (gnomAD); In silico analysis supports that this missense variant has a deleterious effect on protein structure/function; Has not been previously published as pathogenic or benign to our knowledge

NM_001366145.2(TRPM3):c.3035T>C (p.Met1012Thr)

Gene: TRPM3 (transient receptor potential cation channel subfamily M member 3; minus strand). Cytogenetic location: 9q21.12.
Variant type: single nucleotide variant.
Coding change: c.3035T>C on transcript NM_001366145.2 (MANE Select); coding-DNA position 3035, T replaced by C.
Protein change: p.Met1012Thr; replaces methionine 1012 with threonine.
Molecular consequence: missense variant.
Genome position (GRCh38, 1-based): chr9:70,598,432, A>G on the plus strand (T>C on the coding strand, the complement: TRPM3 is on the minus strand). VCF-style: chr9-70598432-A-G. GRCh37 (hg19) VCF-style: chr9-73213348-A-G.
Other names: c.2999T>C, p.Met1000Thr (NM_001007471.4, NM_001366151.2); c.3005T>C, p.Met1002Thr (NM_001366141.2, NM_001366143.2, NM_001366149.2); c.3041T>C, p.Met1014Thr (NM_001366142.2); c.3035T>C, p.Met1012Thr (NM_001366146.2); c.3110T>C, p.Met1037Thr (NM_001366147.2, NM_001366152.2); c.3080T>C, p.Met1027Thr (NM_001366148.2); c.2969T>C, p.Met990Thr (NM_001366150.2); c.2576T>C, p.Met859Thr (NM_001366154.2, NM_024971.7); and 5 more; short protein forms M1000T, M1002T, M1012T, M1014T, M1027T, M1037T, M837T, M847T.
Identifiers: ClinVar variation 3376037 (VCV003376037.1).